The following is an entry in ClinVar:

ClinVar aggregate classification (germline): Uncertain significance (1 of 4 stars; one submission).

Conditions:
Periodic fever-infantile enterocolitis-autoinflammatory syndrome. Also called: Autoinflammation with infantile enterocolitis. Identifiers: Orphanet 436166, MedGen C4015067, MONDO:0014472, OMIM 616050.
Familial cold autoinflammatory syndrome 4 (FCAS4). Identifiers: Orphanet 47045, Orphanet 576349, MedGen C4015276, MONDO:0014498, OMIM 616115.

Allele frequency attached by ClinVar (database versions not stated): gnomAD exomes below 0.00001.
gnomAD v4.1: 1 of 1,591,056 alleles (0.000063%); highest among the groups gnomAD compares: Admixed American, 0.0018%; no homozygotes.

Submission:

Labcorp Genetics (formerly Invitae), Labcorp
Classification: Uncertain significance for Periodic fever-infantile enterocolitis-autoinflammatory syndrome; Familial cold autoinflammatory syndrome 4. Last evaluated: 2023-12-11. Review status: criteria provided, single submitter. Criteria: Invitae Variant Classification Sherloc (09022015). Collection method: clinical testing. Allele origin: germline.
Comment: This sequence change replaces histidine, which is basic and polar, with arginine, which is basic and polar, at codon 91 of the NLRC4 protein (p.His91Arg). This variant is present in population databases (no rsID available, gnomAD 0.003%). This variant has not been reported in the literature in individuals affected with NLRC4-related conditions. ClinVar contains an entry for this variant (Variation ID: 945539). Advanced modeling of protein sequence and biophysical properties (such as structural, functional, and spatial information, amino acid conservation, physicochemical variation, residue mobility, and thermodynamic stability) performed at Invitae indicates that this missense variant is not expected to disrupt NLRC4 protein function with a negative predictive value of 80%. In summary, the available evidence is currently insufficient to determine the role of this variant in disease. Therefore, it has been classified as a Variant of Uncertain Significance.

NM_001199138.2(NLRC4):c.272A>G (p.His91Arg)

Gene: NLRC4 (NLR family CARD domain containing 4; minus strand). Cytogenetic location: 2p22.3.
Variant type: single nucleotide variant.
Coding change: c.272A>G on transcript NM_001199138.2 (MANE Select); coding-DNA position 272, A replaced by G.
Protein change: p.His91Arg; replaces histidine 91 with arginine.
Molecular consequence: missense variant. On other transcripts: intron variant (1).
Genome position (GRCh38, 1-based): chr2:32,251,592, T>C on the plus strand (A>G on the coding strand, the complement: NLRC4 is on the minus strand). VCF-style: chr2-32251592-T-C. GRCh37 (hg19) VCF-style: chr2-32476661-T-C.
Other names: c.272A>G, p.His91Arg (NM_001199139.2, NM_021209.5); c.262+827A>G (NM_001302504.1); short protein forms H91R.
Identifiers: ClinVar variation 945539 (VCV000945539.9), dbSNP rs1351575026, ClinGen allele CA346516590.